The following is an entry in ClinVar:

ClinVar aggregate classification (germline): Pathogenic (1 of 4 stars; one submission).

Conditions:
Hypotonia, infantile, with psychomotor retardation and characteristic facies 1 (INNFD). Identifiers: Orphanet 371364, Orphanet 700336, MedGen C3809454, MONDO:0024567, OMIM 615419.

Submission:

3billion
Classification: Pathogenic for Hypotonia, infantile, with psychomotor retardation and characteristic facies 1. Last evaluated: 2025-07-28. Review status: criteria provided, single submitter. Criteria: ACMG Guidelines, 2015. Collection method: clinical testing. Allele origin: germline. Affected: yes.
Comment: The variant is not observed in the gnomAD v4.1.0 dataset. Predicted Consequence/Location: Frameshift: predicted to result in a loss or disruption of normal protein function through nonsense-mediated decay (NMD) or protein truncation. Multiple pathogenic variants are reported downstream of the variant. The variant has been reported to be associated with NALCN-related disorder (ClinVar ID: VCV003775266 /3billion dataset). Therefore, this variant is classified as Pathogenic according to the recommendation of ACMG/AMP guideline.

NM_052867.4(NALCN):c.1269_1272dup (p.Phe425fs)

Gene: NALCN (sodium leak channel, non-selective; minus strand). Cytogenetic location: 13q33.1.
Variant type: Duplication.
Coding change: c.1269_1272dup on transcript NM_052867.4 (MANE Select); coding-DNA positions 1269 to 1272, 4 bases duplicated (GGCT; older notation c.1269_1272dupGGCT).
Protein change: p.Phe425fs; shifts the reading frame from phenylalanine 425.
Molecular consequence: frameshift variant.
Genome position (GRCh38, 1-based): chr13:101,237,917-101,237,920, AGCC duplicated on the plus strand (GGCT on the coding strand, the reverse complement: NALCN is on the minus strand); duplicating any 4 consecutive bases within chr13:101,237,917-101,237,921 gives the same sequence; the c. name uses the placement nearest the transcript's 3' end. VCF-style (leftmost placement, unchanged base first): chr13-101237916-A-AAGCC. GRCh37 (hg19) VCF-style: chr13-101890267-A-AAGCC.
Other names: c.1269_1272dup, p.Phe425fs (NM_001350748.2, NM_001350749.2); c.1182_1185dup, p.Phe396fs (NM_001350750.2, NM_001350751.2); short protein forms F396fs, F425fs.
Identifiers: ClinVar variation 3775266 (VCV003775266.2).